The following is an entry in ClinVar:

NM_004104.5(FASN):c.7033C>G (p.Leu2345Val)

Gene: FASN (fatty acid synthase; minus strand). Cytogenetic location: 17q25.3.
Variant type: single nucleotide variant.
Coding change: c.7033C>G on transcript NM_004104.5 (MANE Select); coding-DNA position 7033, C replaced by G.
Protein change: p.Leu2345Val; replaces leucine 2345 with valine.
Molecular consequence: missense variant.
Genome position (GRCh38, 1-based): chr17:82,080,384, G>C on the plus strand (C>G on the coding strand, the complement: FASN is on the minus strand). VCF-style: chr17-82080384-G-C. GRCh37 (hg19) VCF-style: chr17-80038260-G-C.
Other names: short protein forms L2345V.
Identifiers: ClinVar variation 2982357 (VCV002982357.3), dbSNP rs760913867, ClinGen allele CA8851138.

ClinVar aggregate classification (germline): Uncertain significance (1 of 4 stars; one submission).

Conditions:
Epileptic encephalopathy. Identifiers: MedGen C0543888, HP:0200134.

Allele frequency attached by ClinVar (database versions not stated): gnomAD 0.00001; gnomAD exomes 0.00002; ExAC 0.00006.
gnomAD v4.1: 23 of 1,603,546 alleles (0.0014%); highest among the groups gnomAD compares: South Asian, 0.023%; no homozygotes.

Submission:

Labcorp Genetics (formerly Invitae), Labcorp
Classification: Uncertain significance for Epileptic encephalopathy. Last evaluated: 2023-10-03. Review status: criteria provided, single submitter. Criteria: Invitae Variant Classification Sherloc (09022015). Collection method: clinical testing. Allele origin: germline.
Comment: This sequence change replaces leucine, which is neutral and non-polar, with valine, which is neutral and non-polar, at codon 2345 of the FASN protein (p.Leu2345Val). This variant is present in population databases (rs760913867, gnomAD 0.02%). This variant has not been reported in the literature in individuals affected with FASN-related conditions. Algorithms developed to predict the effect of missense changes on protein structure and function output the following: SIFT: "Not Available"; PolyPhen-2: "Benign"; Align-GVGD: "Not Available". The valine amino acid residue is found in multiple mammalian species, which suggests that this missense change does not adversely affect protein function. In summary, the available evidence is currently insufficient to determine the role of this variant in disease. Therefore, it has been classified as a Variant of Uncertain Significance.